The following is an entry in ClinVar:

ClinVar aggregate classification (germline): Pathogenic (1 of 4 stars; one submission).

Conditions:
Primary ciliary dyskinesia. Also called: Ciliary dyskinesia. Identifiers: Orphanet 244, MedGen C0008780, MONDO:0016575, HP:0012265.

Allele frequency attached by ClinVar (database versions not stated): TOPMed below 0.00001; gnomAD 0.00001; gnomAD exomes 0.00001.

Submission:

Labcorp Genetics (formerly Invitae), Labcorp
Classification: Pathogenic for Primary ciliary dyskinesia. Last evaluated: 2023-06-04. Review status: criteria provided, single submitter. Criteria: Invitae Variant Classification Sherloc (09022015). Collection method: clinical testing. Allele origin: germline.
Comment: For these reasons, this variant has been classified as Pathogenic. ClinVar contains an entry for this variant (Variation ID: 455024). This variant has not been reported in the literature in individuals affected with CCDC39-related conditions. This variant is not present in population databases (gnomAD no frequency). This sequence change creates a premature translational stop signal (p.Ala151Leufs*24) in the CCDC39 gene. It is expected to result in an absent or disrupted protein product. Loss-of-function variants in CCDC39 are known to be pathogenic (PMID: 21131972, 23255504).

Literature cited by the submitters: PubMed 21131972; PubMed 23255504.

NM_181426.2(CCDC39):c.451del (p.Ala151fs)

Gene: CCDC39 (coiled-coil domain 39 molecular ruler complex subunit; minus strand). Cytogenetic location: 3q26.33.
Variant type: Deletion.
Coding change: c.451del on transcript NM_181426.2 (MANE Select); coding-DNA position 451, one base deleted (G; older notation c.451delG).
Protein change: p.Ala151fs; shifts the reading frame from alanine 151.
Molecular consequence: frameshift variant.
Genome position (GRCh38, 1-based): chr3:180,660,635, C deleted on the plus strand (G on the coding strand, the reverse complement: CCDC39 is on the minus strand). VCF-style (leftmost placement, unchanged base first): chr3-180660634-GC-G. GRCh37 (hg19) VCF-style: chr3-180378422-GC-G.
Other names: short protein forms A151fs.
Identifiers: ClinVar variation 455024 (VCV000455024.5), dbSNP rs1553805885, ClinGen allele CA658657349.